The following is an entry in ClinVar:

NM_002485.5(NBN):c.703-3T>C

Gene: NBN (nibrin; minus strand). Cytogenetic location: 8q21.3.
Variant type: single nucleotide variant.
Coding change: c.703-3T>C on transcript NM_002485.5 (MANE Select); 3 bases into the intron before coding-DNA position 703, T replaced by C.
Molecular consequence: intron variant.
Genome position (GRCh38, 1-based): chr8:89,970,560, A>G on the plus strand (T>C on the coding strand, the complement: NBN is on the minus strand). VCF-style: chr8-89970560-A-G. GRCh37 (hg19) VCF-style: chr8-90982788-A-G.
Other names: c.457-3T>C (NM_001024688.3).
Identifiers: ClinVar variation 232118 (VCV000232118.20), dbSNP rs876659566, ClinGen allele CA10578794.

ClinVar aggregate classification (germline): Conflicting classifications of pathogenicity. Review status: criteria provided, conflicting classifications (1 of 4 stars). 4 submissions from 4 submitters: Uncertain significance (2); Likely benign (2). Last evaluated 2024-04-29.

Conditions:
Hereditary cancer-predisposing syndrome. Also called: Hereditary Cancer Syndrome; Neoplastic Syndromes, Hereditary; Tumor predisposition; Hereditary neoplastic syndrome. Identifiers: Orphanet 140162, MedGen C0027672, MeSH D009386, MONDO:0015356.
Microcephaly, normal intelligence and immunodeficiency (NBS). Also called: BERLIN BREAKAGE SYNDROME; Ataxia telangiectasia variant V1; IMMUNODEFICIENCY, MICROCEPHALY, AND CHROMOSOMAL INSTABILITY; SEEMANOVA SYNDROME II; Nijmegen breakage syndrome; Microcephaly with normal intelligence immunodeficiency and lymphoreticular malignancies. Identifiers: Orphanet 647, MedGen C0398791, MONDO:0009623, OMIM 251260.

Allele frequency attached by ClinVar (database versions not stated): gnomAD exomes below 0.00001; TOPMed below 0.00001.
gnomAD v4.1: 3 of 1,612,650 alleles (0.00019%); highest among the groups gnomAD compares: Admixed American, 0.0017%; no homozygotes.

Submissions (4):

Labcorp Genetics (formerly Invitae), Labcorp
Classification: Likely benign for Microcephaly, normal intelligence and immunodeficiency. Last evaluated: 2024-04-29. Review status: criteria provided, single submitter. Criteria: Invitae Variant Classification Sherloc (09022015). Collection method: clinical testing. Allele origin: germline.

Genome-Nilou Lab
Classification: Uncertain significance for Microcephaly, normal intelligence and immunodeficiency. Last evaluated: 2021-11-07. Review status: criteria provided, single submitter. Criteria: ACMG Guidelines, 2015. Collection method: clinical testing. Allele origin: germline. Affected: no.

Ambry Genetics
Classification: Uncertain significance for Hereditary cancer-predisposing syndrome. Last evaluated: 2021-06-25. Review status: criteria provided, single submitter. Criteria: Ambry Variant Classification Scheme 2023. Collection method: clinical testing. Allele origin: germline.
Comment: The c.703-3T>C intronic variant results from a T to C substitution 3 nucleotides upstream from coding exon 7 in the NBN gene. This nucleotide position is well conserved in available vertebrate species. In silico splice site analysis predicts that this alteration will not have any significant effect on splicing. Since supporting evidence is limited at this time, the clinical significance of this alteration remains unclear.

GeneDx
Classification: Likely benign. Last evaluated: 2018-01-26. Review status: criteria provided, single submitter. Criteria: GeneDx Variant Classification (06012015). Collection method: clinical testing. Allele origin: germline. Affected: yes.
Comment: This variant is considered likely benign or benign based on one or more of the following criteria: it is a conservative change, it occurs at a poorly conserved position in the protein, it is predicted to be benign by multiple in silico algorithms, and/or has population frequency not consistent with disease.